The following is an entry in ClinVar:

NM_000302.4(PLOD1):c.1261G>T (p.Ala421Ser)

Gene: PLOD1 (procollagen-lysine,2-oxoglutarate 5-dioxygenase 1; plus strand). Cytogenetic location: 1p36.22.
Variant type: single nucleotide variant.
Coding change: c.1261G>T on transcript NM_000302.4 (MANE Select); coding-DNA position 1261, G replaced by T.
Protein change: p.Ala421Ser; replaces alanine 421 with serine.
Molecular consequence: missense variant.
Genome position (GRCh38, 1-based): chr1:11,964,233, G>T. VCF-style: chr1-11964233-G-T. GRCh37 (hg19) VCF-style: chr1-12024290-G-T.
Other names: c.1402G>T, p.Ala468Ser (NM_001316320.2); short protein forms A421S, A468S.
Identifiers: ClinVar variation 3614840 (VCV003614840.2).

ClinVar aggregate classification (germline): Uncertain significance (1 of 4 stars; one submission).

Conditions:
Ehlers-Danlos syndrome, kyphoscoliotic type 1 (EDSKSCL1). Also called: Ehlers-Danlos syndrome, hydroxylysine-deficient; EHLERS-DANLOS SYNDROME, OCULAR-SCOLIOTIC TYPE; PLOD1-Related Kyphoscoliotic Ehlers-Danlos Syndrome; EHLERS-DANLOS SYNDROME, TYPE VIA. Identifiers: Orphanet 1900, MedGen C0268342, MONDO:0016002, OMIM 225400. Disease mechanism: loss of function.

gnomAD v4.1: 22 of 1,610,544 alleles (0.0014%); highest among the groups gnomAD compares: Non-Finnish European, 0.0019%; no homozygotes.

Submission:

Labcorp Genetics (formerly Invitae), Labcorp
Classification: Uncertain significance for Ehlers-Danlos syndrome, kyphoscoliotic type 1. Last evaluated: 2024-06-25. Review status: criteria provided, single submitter. Criteria: Invitae Variant Classification Sherloc (09022015). Collection method: clinical testing. Allele origin: germline.
Comment: This sequence change replaces alanine, which is neutral and non-polar, with serine, which is neutral and polar, at codon 421 of the PLOD1 protein (p.Ala421Ser). This variant is present in population databases (rs768987788, gnomAD 0.003%). This variant has not been reported in the literature in individuals affected with PLOD1-related conditions. Advanced modeling of protein sequence and biophysical properties (such as structural, functional, and spatial information, amino acid conservation, physicochemical variation, residue mobility, and thermodynamic stability) performed at Invitae indicates that this missense variant is not expected to disrupt PLOD1 protein function with a negative predictive value of 80%. In summary, the available evidence is currently insufficient to determine the role of this variant in disease. Therefore, it has been classified as a Variant of Uncertain Significance.